The following is an entry in ClinVar:

NM_138713.4(NFAT5):c.1052A>G (p.Asn351Ser)

Gene: NFAT5 (nuclear factor of activated T cells 5; plus strand). Cytogenetic location: 16q22.1.
Variant type: single nucleotide variant.
Coding change: c.1052A>G on transcript NM_138713.4 (MANE Select); coding-DNA position 1052, A replaced by G.
Protein change: p.Asn351Ser; replaces asparagine 351 with serine.
Molecular consequence: missense variant.
Genome position (GRCh38, 1-based): chr16:69,655,655, A>G. VCF-style: chr16-69655655-A-G. GRCh37 (hg19) VCF-style: chr16-69689558-A-G.
Other names: c.1052A>G, p.Asn351Ser (NM_001113178.3); c.380A>G, p.Asn127Ser (NM_001367709.1); c.998A>G, p.Asn333Ser (NM_006599.4); c.770A>G, p.Asn257Ser (NM_138714.4, NM_173214.3, NM_173215.3); short protein forms N127S, N257S, N351S, N333S.
Identifiers: ClinVar variation 2867781 (VCV002867781.3), dbSNP rs2543985987, ClinGen allele CA396490827.

ClinVar aggregate classification (germline): Uncertain significance (1 of 4 stars; one submission).

Conditions:
Immunodeficiency. Identifiers: MedGen C0021051, MONDO:0021094, HP:0002721.

Submission:

Labcorp Genetics (formerly Invitae), Labcorp
Classification: Uncertain significance for Immunodeficiency. Last evaluated: 2025-08-18. Review status: criteria provided, single submitter. Criteria: Invitae Variant Classification Sherloc (09022015). Collection method: clinical testing. Allele origin: germline.
Comment: This sequence change replaces asparagine, which is neutral and polar, with serine, which is neutral and polar, at codon 257 of the NFAT5 protein (p.Asn257Ser). This variant is not present in population databases (gnomAD no frequency). This variant has not been reported in the literature in individuals affected with NFAT5-related conditions. ClinVar contains an entry for this variant (Variation ID: 2867781). An algorithm developed to predict the effect of missense changes on protein structure and function (PolyPhen-2) suggests that this variant is likely to be disruptive. In summary, the available evidence is currently insufficient to determine the role of this variant in disease. Therefore, it has been classified as a Variant of Uncertain Significance.